The following is an entry in ClinVar:

NM_001354604.2(MITF):c.582+280C>T

Gene: MITF (melanocyte inducing transcription factor; plus strand). Cytogenetic location: 3p13.
Variant type: single nucleotide variant.
Coding change: c.582+280C>T on transcript NM_001354604.2 (MANE Select); 280 bases into the intron after coding-DNA position 582, C replaced by T.
Molecular consequence: intron variant.
Genome position (GRCh38, 1-based): chr3:69,938,329, C>T. VCF-style: chr3-69938329-C-T. GRCh37 (hg19) VCF-style: chr3-69987480-C-T.
Other names: c.531+280C>T (NM_001354607.2); c.426+280C>T (NM_001354608.2, NM_001184967.2); c.582+280C>T (NM_198159.3); c.579+280C>T (NM_001354605.2, NM_001354606.2, NM_006722.3); c.534+280C>T (NM_198177.3); c.261+280C>T (NM_000248.4, NM_198158.3); c.93+448C>T (NM_198178.3); c.262-23C>T (NM_001184968.2).
Identifiers: ClinVar variation 679765 (VCV000679765.2), dbSNP rs78545229, ClinGen allele CA2490387.

ClinVar aggregate classification (germline): Likely benign. Review status: criteria provided, multiple submitters, no conflicts (2 of 4 stars). 2 submissions from 2 submitters: Likely benign (2). Last evaluated 2018-06-18.

Allele frequency attached by ClinVar (database versions not stated): ESP Exome Variant Server 0.00978; gnomAD exomes 0.01263; gnomAD 0.01434 and 0.01486; TOPMed 0.01541; 1000 Genomes Project 30x 0.01811; 1000 Genomes Project 0.01977; ExAC 0.02168.
gnomAD v4.1: 16,326 of 1,560,878 alleles (1%); highest among the groups gnomAD compares: South Asian, 3.6%; 176 homozygotes.

Submissions (2):

GeneDx
Classification: Likely benign. Last evaluated: 2018-06-18. Review status: criteria provided, single submitter. Criteria: GeneDx Variant Classification (06012015). Collection method: clinical testing. Allele origin: germline. Affected: yes.
Comment: This variant is considered likely benign or benign based on one or more of the following criteria: it is a conservative change, it occurs at a poorly conserved position in the protein, it is predicted to be benign by multiple in silico algorithms, and/or has population frequency not consistent with disease.

Breakthrough Genomics
Classification: Likely benign. Review status: criteria provided, single submitter. Criteria: ACMG Guidelines, 2015. Collection method: not provided. Allele origin: germline. Inheritance: Autosomal recessive inheritance. Affected: yes.